The following is an entry in ClinVar:

ClinVar aggregate classification (germline): Likely benign (1 of 4 stars; one submission).

Allele frequency attached by ClinVar (database versions not stated): gnomAD exomes 0.00019; 1000 Genomes Project 30x 0.00234; 1000 Genomes Project 0.00300.
gnomAD v4.1: 580 of 987,672 alleles (0.059%); highest among the groups gnomAD compares: African/African-American, 0.86%; 4 homozygotes.

Submission:

CeGaT Center for Human Genetics Tuebingen
Classification: Likely benign. Last evaluated: 2023-01-01. Review status: criteria provided, single submitter. Criteria: CeGaT Center For Human Genetics Tuebingen Variant Classification Criteria Version 2. Collection method: clinical testing. Allele origin: germline. Affected: yes. Observed: 2 variant alleles.
Comment: HMCN2: BP4, BP7, BS2

NM_001291815.2(HMCN2):c.9768G>A (p.Pro3256=)

Gene: HMCN2 (hemicentin 2; plus strand). Cytogenetic location: 9q34.11.
Variant type: single nucleotide variant.
Coding change: c.9768G>A on transcript NM_001291815.2 (MANE Select); coding-DNA position 9768, G replaced by A.
Protein change: p.Pro3256=; no amino-acid change (proline 3256 retained).
Molecular consequence: synonymous variant.
Genome position (GRCh38, 1-based): chr9:130,391,304, G>A. VCF-style: chr9-130391304-G-A. GRCh37 (hg19) VCF-style: chr9-133266691-G-A.
Identifiers: ClinVar variation 2659596 (VCV002659596.24), dbSNP rs551741312, ClinGen allele CA200606789.